The following is an entry in ClinVar:

NM_004174.4(SLC9A3):c.268G>A (p.Val90Met)

Gene: SLC9A3 (solute carrier family 9 member A3). Cytogenetic location: 5p15.33.
Variant type: single nucleotide variant.
Coding change: c.268G>A on transcript NM_004174.4 (MANE Select); coding-DNA position 268, G replaced by A.
Protein change: p.Val90Met; replaces valine 90 with methionine.
Molecular consequence: missense variant.
Genome position (GRCh38, 1-based): chr5:492,015, C>T on the plus strand (G>A on the coding strand, the complement: SLC9A3 is on the minus strand). VCF-style: chr5-492015-C-T. GRCh37 (hg19) VCF-style: chr5-492130-C-T.
Other names: c.268G>A, p.Val90Met (NM_001284351.3); c.268G>A (NM_004174.3); short protein forms V90M.
Identifiers: ClinVar variation 1553553 (VCV001553553.10), dbSNP rs191669572, ClinGen allele CA3176380.

ClinVar aggregate classification (germline): Benign. Review status: criteria provided, single submitter (1 of 4 stars). 2 submissions from 2 submitters: Benign (1). 1 of the submissions does not count toward it. Last evaluated 2025-12-21.

Conditions:
SLC9A3-related disorder. Also called: SLC9A3-related condition.

Allele frequency attached by ClinVar (database versions not stated): ESP Exome Variant Server 0.00008; gnomAD 0.00025 and 0.00040; gnomAD exomes 0.00075; ExAC 0.00115; 1000 Genomes Project 30x 0.00390; 1000 Genomes Project 0.00439.
gnomAD v4.1: 298 of 1,586,070 alleles (0.019%); highest among the groups gnomAD compares: East Asian, 0.49%; 3 homozygotes.

Submissions (2):

Labcorp Genetics (formerly Invitae), Labcorp
Classification: Benign. Last evaluated: 2025-12-21. Review status: criteria provided, single submitter. Criteria: Invitae Variant Classification Sherloc (09022015). Collection method: clinical testing. Allele origin: germline.

PreventionGenetics, part of Exact Sciences
Classification: Benign for SLC9A3-related condition. Last evaluated: 2019-07-30. Review status: no assertion criteria provided. Collection method: clinical testing. Allele origin: germline. Not counted in ClinVar's aggregate classification.
Comment: This variant is classified as benign based on ACMG/AMP sequence variant interpretation guidelines (Richards et al. 2015 PMID: 25741868, with internal and published modifications).